The following is an entry in ClinVar:

ClinVar aggregate classification (germline): Pathogenic. Review status: reviewed by expert panel (3 of 4 stars). 2 submissions from 2 submitters: Pathogenic (1). 1 of the submissions does not count toward it. Last evaluated 2017-12-15.

Conditions:
Hereditary breast ovarian cancer syndrome. Also called: Hereditary breast and ovarian cancer syndrome; Hereditary breast and/or ovarian cancer syndrome; BRCA1- and BRCA2-Associated Hereditary Breast and Ovarian Cancer; Hereditary breast and ovarian cancer syndrome (HBOC); Hereditary breast and ovarian cancer; Breast and ovarian cancer. Identifiers: Orphanet 145, MedGen C0677776, MeSH D061325, MONDO:0003582. Disease mechanism: loss of function.
Breast-ovarian cancer, familial, susceptibility to, 2 (BROVCA2). Also called: BRCA2 Hereditary Breast and Ovarian Cancer. Identifiers: Orphanet 145, MedGen C2675520, MONDO:0012933, OMIM 612555. Disease mechanism: loss of function.

Submissions (2):

Evidence-based Network for the Interpretation of Germline Mutant Alleles (ENIGMA)
Classification: Pathogenic for Breast-ovarian cancer, familial, susceptibility to, 2. Last evaluated: 2017-12-15. Review status: reviewed by expert panel. Criteria: ENIGMA BRCA1/2 Classification Criteria (2017-06-29). Collection method: curation. Allele origin: germline. Study: ENIGMA.
Comment: Variant allele predicted to encode a truncated non-functional protein.

Labcorp Genetics (formerly Invitae), Labcorp
Classification: Pathogenic for Hereditary breast ovarian cancer syndrome. Last evaluated: 2016-10-23. Review status: criteria provided, single submitter. Criteria: Invitae Variant Classification Sherloc (09022015). Collection method: clinical testing. Allele origin: germline. Not counted in ClinVar's aggregate classification.
Comment: This sequence change inserts 1 nucleotide in exon 17 of the BRCA2 mRNA (c.7823dupC), causing a frameshift at codon 2609. This creates a premature translational stop signal (p.Gly2609Argfs*9) and is expected to result in an absent or disrupted protein product. For these reasons, this variant has been classified as Pathogenic. While this particular variant has not been reported in the literature, loss-of-function variants in BRCA2 are known to be pathogenic (PMID: 20104584).

Literature cited by the submitters: PubMed 20104584 (cited by Labcorp Genetics (formerly Invitae), Labcorp).

NM_000059.4(BRCA2):c.7823dup (p.Gly2609fs)

Gene: BRCA2 (BRCA2 DNA repair associated; plus strand). Cytogenetic location: 13q13.1.
Variant type: Duplication.
Coding change: c.7823dup on transcript NM_000059.4 (MANE Select); coding-DNA position 7823, one base duplicated (C; older notation c.7823dupC).
Protein change: p.Gly2609fs; shifts the reading frame from glycine 2609.
Molecular consequence: frameshift variant.
Genome position (GRCh38, 1-based): chr13:32,362,540, C duplicated; the last of 2 consecutive C bases (chr13:32,362,539-32,362,540); duplicating either gives the same sequence. VCF-style (leftmost placement, unchanged base first): chr13-32362538-T-TC. GRCh37 (hg19) VCF-style: chr13-32936675-T-TC.
Other names: c.7823dupC (NM_000059.3); short protein forms G2609fs.
Identifiers: ClinVar variation 409596 (VCV000409596.7), dbSNP rs1555286824, ClinGen allele CA16614005.